The following is an entry in ClinVar:

ClinVar aggregate classification (germline): Uncertain significance (1 of 4 stars; one submission).

Conditions:
Ataxia-telangiectasia syndrome (AT). Also called: Cerebello-oculocutaneous telangiectasia; Immunodeficiency with ataxia telangiectasia; Ataxia telangiectasia (A-T); LOUIS-BAR SYNDROME; Ataxia-telangiectasia, complementation group D; AT, COMPLEMENTATION GROUP C. Identifiers: Orphanet 100, MedGen C0004135, MONDO:0008840, OMIM 208900.

Submission:

Labcorp Genetics (formerly Invitae), Labcorp
Classification: Uncertain significance for Ataxia-telangiectasia syndrome. Last evaluated: 2022-06-26. Review status: criteria provided, single submitter. Criteria: Invitae Variant Classification Sherloc (09022015). Collection method: clinical testing. Allele origin: germline.
Comment: In summary, the available evidence is currently insufficient to determine the role of this variant in disease. Therefore, it has been classified as a Variant of Uncertain Significance. RNA analysis provides insufficient evidence to determine the effect of this variant on ATM splicing (Invitae). This variant has not been reported in the literature in individuals affected with ATM-related conditions. This variant is not present in population databases (gnomAD no frequency). This variant, c.2131_2136dup, results in the insertion of 2 amino acid(s) of the ATM protein (p.Asn711_Ser712dup), but otherwise preserves the integrity of the reading frame.

NM_000051.4(ATM):c.2131_2136dup (p.Ser712_Glu713insAsnSer)

Gene: ATM (ATM serine/threonine kinase; plus strand). Cytogenetic location: 11q22.3.
Variant type: Duplication.
Coding change: c.2131_2136dup on transcript NM_000051.4 (MANE Select); coding-DNA positions 2131 to 2136, 6 bases duplicated (AATTCA; older notation c.2131_2136dupAATTCA).
Protein change: p.Ser712_Glu713insAsnSer.
Molecular consequence: inframe insertion.
Genome position (GRCh38, 1-based): chr11:108,256,221-108,256,226, AATTCA duplicated; duplicating any 6 consecutive bases within chr11:108,256,219-108,256,226 gives the same sequence; the c. name uses the placement nearest the transcript's 3' end. VCF-style (leftmost placement, unchanged base first): chr11-108256218-A-ACAAATT. GRCh37 (hg19) VCF-style: chr11-108126945-A-ACAAATT.
Other names: c.2131_2136dup, p.Ser712_Glu713insAsnSer (NM_001351834.2).
Identifiers: ClinVar variation 2011235 (VCV002011235.4), dbSNP rs2497356002, ClinGen allele CA2580083303.
Genomic context (GRCh38, chr11:108,256,218, plus strand): 5'-AGAGTATACTAAATTATTTATGAAATATATATATTTTTATTTGTGGTTTACTTTAAGATT[A>ACAAATT]CAAATTCAGAAACTCTTGTCCGGTGTTCACGTCTTTTGGTGGGTGTCCTTGGCTGCTACT-3'